The following is an entry in ClinVar:

NM_004519.4(KCNQ3):c.1625A>G (p.Asp542Gly)

Gene: KCNQ3 (potassium voltage-gated channel subfamily Q member 3; minus strand). Cytogenetic location: 8q24.22.
Variant type: single nucleotide variant.
Coding change: c.1625A>G on transcript NM_004519.4 (MANE Select); coding-DNA position 1625, A replaced by G.
Protein change: p.Asp542Gly; replaces aspartic acid 542 with glycine.
Molecular consequence: missense variant.
Genome position (GRCh38, 1-based): chr8:132,137,960, T>C on the plus strand (A>G on the coding strand, the complement: KCNQ3 is on the minus strand). VCF-style: chr8-132137960-T-C. GRCh37 (hg19) VCF-style: chr8-133150207-T-C.
Other names: c.1265A>G, p.Asp422Gly (NM_001204824.2); short protein forms D422G, D542G.
Identifiers: ClinVar variation 1305364 (VCV001305364.2), dbSNP rs2130938716, ClinGen allele CA372219135.
Genomic context (GRCh38, chr8:132,137,960, plus strand): 5'-TTTATCCTGGAAAGCATGTCGAGATGCCCGGCAGAATACTGCTCAATCACATCCTTCACA[T>C]CGTAAGGCCTCAAAGTCTCCTTGAATTTTTTTTTATAGAGACGGAATTGTAGAATTCTGC-3'
Protein context (NP_004510.1, residues 532-552): KKFKETLRPY[Asp542Gly]VKDVIEQYSA

ClinVar aggregate classification (germline): Uncertain significance (1 of 4 stars; one submission).

Submission:

GeneDx
Classification: Uncertain significance. Last evaluated: 2019-05-06. Review status: criteria provided, single submitter. Criteria: GeneDx Variant Classification Process June 2021. Collection method: clinical testing. Allele origin: germline. Affected: yes.
Comment: Not observed in large population cohorts (Lek et al., 2016); In silico analysis, which includes protein predictors and evolutionary conservation, supports a deleterious effect; Has not been previously published as pathogenic or benign to our knowledge